The following is an entry in ClinVar:

ClinVar aggregate classification (germline): Conflicting classifications of pathogenicity. Review status: criteria provided, conflicting classifications (1 of 4 stars). 2 submissions from 2 submitters: Uncertain significance (1); Likely benign (1). Last evaluated 2025-05-01.

Allele frequency attached by ClinVar (database versions not stated): 1000 Genomes Project 30x 0.00016; TOPMed 0.00002; 1000 Genomes Project 0.00020.
gnomAD v4.1: 54 of 1,614,034 alleles (0.0033%); highest among the groups gnomAD compares: East Asian, 0.027%; no homozygotes.

Submissions (2):

Labcorp Genetics (formerly Invitae), Labcorp
Classification: Uncertain significance. Last evaluated: 2025-05-01. Review status: criteria provided, single submitter. Criteria: Invitae Variant Classification Sherloc (09022015). Collection method: clinical testing. Allele origin: germline.
Comment: This sequence change replaces arginine, which is basic and polar, with tryptophan, which is neutral and slightly polar, at codon 17 of the ARHGAP24 protein (p.Arg17Trp). This variant is present in population databases (rs533903357, gnomAD 0.02%). This variant has not been reported in the literature in individuals affected with ARHGAP24-related conditions. ClinVar contains an entry for this variant (Variation ID: 3016668). An algorithm developed to predict the effect of missense changes on protein structure and function outputs the following: PolyPhen-2: "Benign". The tryptophan amino acid residue is found in multiple mammalian species, which suggests that this missense change does not adversely affect protein function. In summary, the available evidence is currently insufficient to determine the role of this variant in disease. Therefore, it has been classified as a Variant of Uncertain Significance.

Ambry Genetics
Classification: Likely benign. Last evaluated: 2024-07-27. Review status: criteria provided, single submitter. Criteria: Ambry Variant Classification Scheme 2023. Collection method: clinical testing. Allele origin: germline.

NM_001025616.3(ARHGAP24):c.49C>T (p.Arg17Trp)

Gene: ARHGAP24 (Rho GTPase activating protein 24; plus strand). Cytogenetic location: 4q21.23.
Variant type: single nucleotide variant.
Coding change: c.49C>T on transcript NM_001025616.3 (MANE Select); coding-DNA position 49, C replaced by T.
Protein change: p.Arg17Trp; replaces arginine 17 with tryptophan.
Molecular consequence: missense variant.
Genome position (GRCh38, 1-based): chr4:85,570,590, C>T. VCF-style: chr4-85570590-C-T. GRCh37 (hg19) VCF-style: chr4-86491743-C-T.
Other names: c.49C>T (NM_001025616.2); short protein forms R17W.
Identifiers: ClinVar variation 3016668 (VCV003016668.4), dbSNP rs533903357, ClinGen allele CA2994311.